The following is an entry in ClinVar:

ClinVar aggregate classification (germline): Benign/Likely benign. Review status: criteria provided, multiple submitters, no conflicts (2 of 4 stars). 3 submissions from 3 submitters: Benign (1); Likely benign (2). Last evaluated 2026-07-13.

Conditions:
Hereditary cancer-predisposing syndrome. Also called: Tumor predisposition; Neoplastic Syndromes, Hereditary; Hereditary Cancer Syndrome; Hereditary neoplastic syndrome. Identifiers: Orphanet 140162, MedGen C0027672, MeSH D009386, MONDO:0015356.
Rhabdoid tumor predisposition syndrome 2 (RTPS2). Identifiers: Orphanet 231108, Orphanet 69077, MedGen C2750074, MONDO:0013224, OMIM 613325.

Allele frequency attached by ClinVar (database versions not stated): gnomAD exomes 0.00001; gnomAD 0.00002; TOPMed below 0.00001; ExAC 0.00002.
gnomAD v4.1: 12 of 1,613,488 alleles (0.00074%); highest among the groups gnomAD compares: Non-Finnish European, 0.00093%; no homozygotes.

Submissions (3):

Myriad Genetics, Inc.
Classification: Benign for Rhabdoid tumor predisposition syndrome 2. Last evaluated: 2026-07-13. Review status: criteria provided, single submitter. Criteria: Myriad Autosomal Dominant, Autosomal Recessive and X-Linked Classification Criteria (2023). Collection method: clinical testing. Allele origin: unknown.
Comment: This variant is considered benign. This variant is a silent/synonymous amino acid change and it is not expected to impact splicing.

Labcorp Genetics (formerly Invitae), Labcorp
Classification: Likely benign for Rhabdoid tumor predisposition syndrome 2. Last evaluated: 2025-10-09. Review status: criteria provided, single submitter. Criteria: Invitae Variant Classification Sherloc (09022015). Collection method: clinical testing. Allele origin: germline.

Ambry Genetics
Classification: Likely benign for Hereditary cancer-predisposing syndrome. Last evaluated: 2018-06-14. Review status: criteria provided, single submitter. Criteria: Ambry Variant Classification Scheme 2023. Collection method: clinical testing. Allele origin: germline.

NM_003072.5(SMARCA4):c.2499T>C (p.Ser833=)

Gene: SMARCA4 (SWI/SNF related BAF chromatin remodeling complex subunit ATPase 4; plus strand). Cytogenetic location: 19p13.2.
Variant type: single nucleotide variant.
Coding change: c.2499T>C on transcript NM_003072.5 (MANE Select); coding-DNA position 2499, T replaced by C.
Protein change: p.Ser833=; no amino-acid change (serine 833 retained).
Molecular consequence: synonymous variant. On other transcripts: non-coding transcript variant (1).
Genome position (GRCh38, 1-based): chr19:11,019,017, T>C. VCF-style: chr19-11019017-T-C. GRCh37 (hg19) VCF-style: chr19-11129693-T-C.
Other names: c.2499T>C, p.Ser833= (NM_001128844.3, NM_001128845.2, NM_001128846.2 and 5 more transcripts).
Identifiers: ClinVar variation 537893 (VCV000537893.17), dbSNP rs778702246, ClinGen allele CA9204131.
Genomic context (GRCh38, chr19:11,019,017, plus strand): 5'-AACGCTGTCCAACTGGGCGTACGAGTTTGACAAGTGGGCCCCCTCCGTGGTGAAGGTGTC[T>C]TACAAGGTAGGTCACAGCCACTGAGGTTTCCTCTCTTGCTACGGAGGTGCAGGCGGTGGT-3'
Protein context (NP_003063.2, residues 823-843): DKWAPSVVKV[Ser833=]YKGSPAARRA